The following is an entry in ClinVar:

ClinVar aggregate classification (germline): Uncertain significance (0 of 4 stars; one submission).

Conditions:
Prostate cancer. Also called: Malignant tumor of prostate. Identifiers: Orphanet 1331, MedGen C0376358, MONDO:0008315, HP:0012125.

Allele frequency attached by ClinVar (database versions not stated): ExAC 0.00001; gnomAD exomes below 0.00001.
gnomAD v4.1: 1 of 1,614,154 alleles (0.000062%); highest among the groups gnomAD compares: Non-Finnish European, 0.000085%; no homozygotes.

Submission:

Science for Life laboratory,  Karolinska Institutet
Classification: Uncertain significance for Malignant tumor of prostate. Review status: no assertion criteria provided. Collection method: not provided. Allele origin: somatic.
Comment: TumorID:SWE-90B
ClinVar note: Converted during submission from Unknown to Uncertain significance.

NM_001008938.4(CKAP5):c.721A>G (p.Lys241Glu)

Gene: CKAP5 (cytoskeleton associated protein 5; minus strand). Cytogenetic location: 11p11.2.
Variant type: single nucleotide variant.
Coding change: c.721A>G on transcript NM_001008938.4 (MANE Select); coding-DNA position 721, A replaced by G.
Protein change: p.Lys241Glu; replaces lysine 241 with glutamic acid.
Molecular consequence: missense variant.
Genome position (GRCh38, 1-based): chr11:46,809,784, T>C on the plus strand (A>G on the coding strand, the complement: CKAP5 is on the minus strand). VCF-style: chr11-46809784-T-C. GRCh37 (hg19) VCF-style: chr11-46831334-T-C.
Other names: c.721A>G, p.Lys241Glu (NM_014756.4); short protein forms K241E.
Identifiers: ClinVar variation 161683 (VCV000161683.2), dbSNP rs193921076, ClinGen allele CA174591.